The following is an entry in ClinVar:

NM_000091.5(COL4A3):c.2681_2694del (p.Met894fs)

Genes: MFF-DT (MFF divergent transcript; minus strand), COL4A3 (collagen type IV alpha 3 chain; plus strand). Cytogenetic location: 2q36.3.
Variant type: Deletion.
Coding change: c.2681_2694del on transcript NM_000091.5 (MANE Select); coding-DNA positions 2681 to 2694, 14 bases deleted (TGGGCTTTCCTGGA).
Protein change: p.Met894fs; shifts the reading frame from methionine 894.
Molecular consequence: frameshift variant.
Genome position (GRCh38, 1-based): chr2:227,283,791-227,283,804, TGGGCTTTCCTGGA deleted; deleting any 14 consecutive bases within chr2:227,283,789-227,283,804 gives the same sequence; the c. name uses the placement nearest the transcript's 3' end. VCF-style (leftmost placement, unchanged base first): chr2-227283788-TGATGGGCTTTCCTG-T. GRCh37 (hg19) VCF-style: chr2-228148504-TGATGGGCTTTCCTG-T.
Other names: short protein forms M894fs.
Identifiers: ClinVar variation 5015109 (VCV005015109.1).
Genomic context (GRCh38, chr2:227,283,788, plus strand): 5'-GTACAACACGTGCTGCTTTGTGTTAATTTGTTTCCATAGGTGAAGATGGAGTGATTGGGA[TGATGGGCTTTCCTG>T]GAGCCATTGGCCCTCCAGGGCCCCCTGGGAACCCAGGCACACCAGGGCAGAGGGGTAAGT-3'

ClinVar aggregate classification (germline): Pathogenic (1 of 4 stars; one submission).

Conditions:
Alport syndrome. Also called: Hemorrhagic familial nephritis; Hemorrhagic hereditary nephritis; Congenital hereditary hematuria. Identifiers: Orphanet 63, MedGen C1567741, MONDO:0018965.

Submission:

Myriad Genetics, Inc.
Classification: Pathogenic for Alport syndrome. Last evaluated: 2025-10-18. Review status: criteria provided, single submitter. Criteria: Myriad Autosomal Dominant, Autosomal Recessive and X-Linked Classification Criteria (2023). Collection method: clinical testing. Allele origin: unknown.
Comment: NM_000091.4(COL4A3):c.2681_2694del14(M894Sfs*41) is expected to be pathogenic in the context of Alport syndrome, COL4A3-related. This variant is predicted to lead to an abnormal or absent protein product due to the creation of a premature termination codon in COL4A3, a gene where loss-of-function variants are known to be pathogenic. Please note: this variant was assessed in the context of healthy population screening.